The following is an entry in ClinVar:

ClinVar aggregate classification (germline): Uncertain significance. Review status: criteria provided, multiple submitters, no conflicts (2 of 4 stars). 2 submissions from 2 submitters: Uncertain significance (2). Last evaluated 2026-05-23.

Conditions:
Hereditary cancer-predisposing syndrome. Also called: Hereditary Cancer Syndrome; Neoplastic Syndromes, Hereditary; Tumor predisposition; Hereditary neoplastic syndrome. Identifiers: Orphanet 140162, MedGen C0027672, MeSH D009386, MONDO:0015356.
DICER1-related tumor predisposition. Also called: DICER1-related pleuropulmonary blastoma cancer predisposition syndrome; DICER1 syndrome. Identifiers: Orphanet 284343, MedGen C3839822, MONDO:0100216.

Submissions (2):

Ambry Genetics
Classification: Uncertain significance for Hereditary cancer-predisposing syndrome. Last evaluated: 2026-05-23. Review status: criteria provided, single submitter. Criteria: Ambry Variant Classification Scheme 2023. Collection method: clinical testing. Allele origin: germline.
Comment: The p.I253S variant (also known as c.758T>G), located in coding exon 6 of the DICER1 gene, results from a T to G substitution at nucleotide position 758. The isoleucine at codon 253 is replaced by serine, an amino acid with dissimilar properties. This amino acid position is conserved. In addition, the in silico prediction for this alteration is inconclusive. Based on the available evidence, the clinical significance of this variant remains unclear.

Labcorp Genetics (formerly Invitae), Labcorp
Classification: Uncertain significance for DICER1-related tumor predisposition. Last evaluated: 2019-09-14. Review status: criteria provided, single submitter. Criteria: Invitae Variant Classification Sherloc (09022015). Collection method: clinical testing. Allele origin: germline.
Comment: This sequence change replaces isoleucine with serine at codon 253 of the DICER1 protein (p.Ile253Ser). The isoleucine residue is moderately conserved and there is a large physicochemical difference between isoleucine and serine. This variant is not present in population databases (ExAC no frequency). This variant has not been reported in the literature in individuals with DICER1-related conditions. Algorithms developed to predict the effect of missense changes on protein structure and function are either unavailable or do not agree on the potential impact of this missense change (SIFT: "Tolerated"; PolyPhen-2: "Benign"; Align-GVGD: "Class C0"). In summary, the available evidence is currently insufficient to determine the role of this variant in disease. Therefore, it has been classified as a Variant of Uncertain Significance.

NM_177438.3(DICER1):c.758T>G (p.Ile253Ser)

Gene: DICER1 (dicer 1, ribonuclease III; minus strand). Cytogenetic location: 14q32.13.
Variant type: single nucleotide variant.
Coding change: c.758T>G on transcript NM_177438.3 (MANE Select); coding-DNA position 758, T replaced by G.
Protein change: p.Ile253Ser; replaces isoleucine 253 with serine.
Molecular consequence: missense variant.
Genome position (GRCh38, 1-based): chr14:95,126,725, A>C on the plus strand (T>G on the coding strand, the complement: DICER1 is on the minus strand). VCF-style: chr14-95126725-A-C. GRCh37 (hg19) VCF-style: chr14-95593062-A-C.
Other names: c.758T>G, p.Ile253Ser (NM_001195573.1, NM_001271282.3, NM_001291628.2 and 1 more transcripts); short protein forms I253S.
Identifiers: ClinVar variation 955866 (VCV000955866.12), dbSNP rs1893493719, ClinGen allele CA390887893.